The following is an entry in ClinVar:

ClinVar aggregate classification (germline): Uncertain significance (1 of 4 stars; one submission).

Submission:

GeneDx
Classification: Uncertain significance. Last evaluated: 2025-06-24. Review status: criteria provided, single submitter. Criteria: GeneDx Variant Classification Process June 2021. Collection method: clinical testing. Allele origin: germline. Affected: yes.
Comment: Not observed at significant frequency in large population cohorts (gnomAD); In silico analysis supports that this missense variant has a deleterious effect on protein structure/function; Has not been previously published as pathogenic or benign to our knowledge

NM_000489.6(ATRX):c.5453A>C (p.Lys1818Thr)

Gene: ATRX (ATRX chromatin remodeler; minus strand). Cytogenetic location: Xq21.1.
Variant type: single nucleotide variant.
Coding change: c.5453A>C on transcript NM_000489.6 (MANE Select); coding-DNA position 5453, A replaced by C.
Protein change: p.Lys1818Thr; replaces lysine 1818 with threonine.
Molecular consequence: missense variant.
Genome position (GRCh38, 1-based): chrX:77,616,726, T>G on the plus strand (A>C on the coding strand, the complement: ATRX is on the minus strand). VCF-style: chrX-77616726-T-G. GRCh37 (hg19) VCF-style: chrX-76872194-T-G.
Other names: c.5339A>C, p.Lys1780Thr (NM_138270.5); short protein forms K1780T, K1818T.
Identifiers: ClinVar variation 4540174 (VCV004540174.1).